The following is an entry in ClinVar:

ClinVar aggregate classification (germline): Uncertain significance (1 of 4 stars; one submission).

Allele frequency attached by ClinVar (database versions not stated): gnomAD exomes below 0.00001.
gnomAD v4.1: 3 of 1,613,928 alleles (0.00019%); highest among the groups gnomAD compares: Non-Finnish European, 0.00025%; no homozygotes.

Submission:

Labcorp Genetics (formerly Invitae), Labcorp
Classification: Uncertain significance. Last evaluated: 2023-08-11. Review status: criteria provided, single submitter. Criteria: Invitae Variant Classification Sherloc (09022015). Collection method: clinical testing. Allele origin: germline.
Comment: This variant has not been reported in the literature in individuals affected with IL2RB-related conditions. An algorithm developed to predict the effect of missense changes on protein structure and function (PolyPhen-2) suggests that this variant is likely to be disruptive. In summary, the available evidence is currently insufficient to determine the role of this variant in disease. Therefore, it has been classified as a Variant of Uncertain Significance. This variant is not present in population databases (gnomAD no frequency). This sequence change replaces glycine, which is neutral and non-polar, with arginine, which is basic and polar, at codon 253 of the IL2RB protein (p.Gly253Arg).

NM_000878.5(IL2RB):c.757G>A (p.Gly253Arg)

Gene: IL2RB (interleukin 2 receptor subunit beta; minus strand). Cytogenetic location: 22q12.3.
Variant type: single nucleotide variant.
Coding change: c.757G>A on transcript NM_000878.5 (MANE Select); coding-DNA position 757, G replaced by A.
Protein change: p.Gly253Arg; replaces glycine 253 with arginine.
Molecular consequence: missense variant.
Genome position (GRCh38, 1-based): chr22:37,135,389, C>T on the plus strand (G>A on the coding strand, the complement: IL2RB is on the minus strand). VCF-style: chr22-37135389-C-T. GRCh37 (hg19) VCF-style: chr22-37531429-C-T.
Other names: c.757G>A, p.Gly253Arg (NM_001346222.1, NM_001346223.2); short protein forms G253R.
Identifiers: ClinVar variation 2752121 (VCV002752121.1), dbSNP rs2517837860, ClinGen allele CA411427047.
Genomic context (GRCh38, chr22:37,135,389, plus strand): 5'-ATGGCCCGGTGTTCCTGCAGTTGATCAGCAAGTACACTAAGATGATGAAGCCAAAAGCCC[C>T]GCTGAGGCCCACGAGGAGGTGGCCGAGCCACGGAATGGTGTCCTTCCCAAGGGCTGCCCA-3'
Protein context (NP_000869.1, residues 243-263): WLGHLLVGLS[Gly253Arg]AFGFIILVYL